The following is an entry in ClinVar:

ClinVar aggregate classification (germline): Uncertain significance (1 of 4 stars; one submission).

Conditions:
Holocarboxylase synthetase deficiency. Also called: MULTIPLE CARBOXYLASE DEFICIENCY, EARLY ONSET. Identifiers: Orphanet 79242, MedGen C0268581, MONDO:0009666, OMIM 253270.

Allele frequency attached by ClinVar (database versions not stated): gnomAD 0.00001; gnomAD exomes 0.00002; ExAC 0.00003; TOPMed 0.00008.
gnomAD v4.1: 27 of 1,613,988 alleles (0.0017%); highest among the groups gnomAD compares: Admixed American, 0.025%; no homozygotes.

Submission:

Labcorp Genetics (formerly Invitae), Labcorp
Classification: Uncertain significance for Holocarboxylase synthetase deficiency. Last evaluated: 2021-09-24. Review status: criteria provided, single submitter. Criteria: Invitae Variant Classification Sherloc (09022015). Collection method: clinical testing. Allele origin: germline.
Comment: This sequence change replaces alanine with valine at codon 123 of the HLCS protein (p.Ala123Val). The alanine residue is highly conserved and there is a small physicochemical difference between alanine and valine. This variant is present in population databases (rs201215058, ExAC 0.03%). This variant has not been reported in the literature in individuals with HLCS-related disease. Algorithms developed to predict the effect of missense changes on protein structure and function are either unavailable or do not agree on the potential impact of this missense change (SIFT: "Tolerated"; PolyPhen-2: "Probably Damaging"; Align-GVGD: "Class C0"). In summary, the available evidence is currently insufficient to determine the role of this variant in disease. Therefore, it has been classified as a Variant of Uncertain Significance.

NM_001352514.2(HLCS):c.809C>T (p.Ala270Val)

Gene: HLCS (holocarboxylase synthetase; minus strand). Cytogenetic location: 21q22.13.
Variant type: single nucleotide variant.
Coding change: c.809C>T on transcript NM_001352514.2 (MANE Select); coding-DNA position 809, C replaced by T.
Protein change: p.Ala270Val; replaces alanine 270 with valine.
Molecular consequence: missense variant. On other transcripts: non-coding transcript variant (2).
Genome position (GRCh38, 1-based): chr21:36,937,077, G>A on the plus strand (C>T on the coding strand, the complement: HLCS is on the minus strand). VCF-style: chr21-36937077-G-A. GRCh37 (hg19) VCF-style: chr21-38309377-G-A.
Other names: c.368C>T, p.Ala123Val (NM_000411.8, NM_001242784.3, NM_001242785.2 and 4 more transcripts); short protein forms A123V, A270V.
Identifiers: ClinVar variation 2202147 (VCV002202147.1), dbSNP rs201215058, ClinGen allele CA10020697.